The following is an entry in ClinVar:

ClinVar aggregate classification (germline): Conflicting classifications of pathogenicity. Review status: criteria provided, conflicting classifications (1 of 4 stars). 12 submissions from 12 submitters: Uncertain significance (1); Benign (2); Likely benign (7). 2 of the submissions do not count toward it. Last evaluated 2026-04-30.

Conditions:
Hereditary cancer-predisposing syndrome. Also called: Hereditary Cancer Syndrome; Tumor predisposition; Neoplastic Syndromes, Hereditary; Hereditary neoplastic syndrome. Identifiers: Orphanet 140162, MedGen C0027672, MeSH D009386, MONDO:0015356.
Hereditary breast ovarian cancer syndrome. Also called: Breast and ovarian cancer; BRCA1- and BRCA2-Associated Hereditary Breast and Ovarian Cancer; Hereditary breast and ovarian cancer; Hereditary breast and ovarian cancer syndrome (HBOC); Hereditary breast and ovarian cancer syndrome; Hereditary breast and/or ovarian cancer syndrome. Identifiers: Orphanet 145, MedGen C0677776, MeSH D061325, MONDO:0003582. Disease mechanism: loss of function.
Breast-ovarian cancer, familial, susceptibility to, 2 (BROVCA2). Also called: BRCA2 Hereditary Breast and Ovarian Cancer. Identifiers: Orphanet 145, MedGen C2675520, MONDO:0012933, OMIM 612555. Disease mechanism: loss of function.
Familial cancer of breast. Also called: BREAST CANCER, FAMILIAL; hereditary breast carcinoma; Hereditary breast cancer. Identifiers: Orphanet 227535, MedGen C0346153, MONDO:0016419, OMIM 114480. Disease mechanism: loss of function.

Allele frequency attached by ClinVar (database versions not stated): gnomAD exomes below 0.00001; TOPMed 0.00001; gnomAD 0.00001.
gnomAD v4.1: 2 of 1,613,798 alleles (0.00012%); highest among the groups gnomAD compares: Non-Finnish European, 0.00017%; no homozygotes.

Submissions (12):

Women's Health and Genetics/Laboratory Corporation of America, LabCorp
Classification: Likely benign. Last evaluated: 2026-04-30. Review status: criteria provided, single submitter. Criteria: LabCorp Variant Classification Summary - May 2015. Collection method: clinical testing. Allele origin: germline.
Comment: Variant summary: BRCA2 c.1124C>T (p.Pro375Leu) results in a non-conservative amino acid change in the encoded protein sequence. Algorithms developed to predict the effect of missense changes on protein structure and function are either unavailable or do not agree on the potential impact of this missense change. The variant allele was found at a frequency of 4e-06 in 250164 control chromosomes. The available data on variant occurrences in the general population are insufficient to allow any conclusion about variant significance. c.1124C>T has been observed in individuals referred for BRCA mutational screening (example: DeSilva_2011, Tram_2013, Maier_2014, DArgenio_2015, Zanella_2017, Dorling_2021). These reports do not provide unequivocal conclusions about association of the variant with Hereditary Breast And Ovarian Cancer Syndrome. Co-occurrences with other pathogenic variant has been reported (BRCA1 c.66_67delAG, p.Leu22_Glu23LeuValfs), providing supporting evidence for a benign role. To our knowledge, no experimental evidence demonstrating an impact on protein function has been reported. The following publications have been ascertained in the context of this evaluation (PMID: 22977638, 23704879, 25111659, 25896959, 28263838, 31112341, 31294896, 33471991). ClinVar contains an entry for this variant (Variation ID: 51067). Based on the evidence outlined above, the variant was classified as likely benign.

Labcorp Genetics (formerly Invitae), Labcorp
Classification: Likely benign for Hereditary breast ovarian cancer syndrome. Last evaluated: 2026-01-10. Review status: criteria provided, single submitter. Criteria: Invitae Variant Classification Sherloc (09022015). Collection method: clinical testing. Allele origin: germline.

Quest Diagnostics Nichols Institute San Juan Capistrano
Classification: Uncertain significance. Last evaluated: 2025-04-18. Review status: criteria provided, single submitter. Criteria: Quest Diagnostics criteria. Collection method: clinical testing. Allele origin: unknown.
Comment: The BRCA2 c.1124C>T (p.Pro375Leu) variant has been reported in the published literature in individuals with prostate cancer (PMID: 25111659 (2014), breast cancer and reportedly unaffected individuals (PMID: 33471991 (2021), 25896959 (2015), see also LOVD). Additionally, the variant is located in a region of the BRCA gene2 that is tolerant to missense sequence changes (PMID: 31911673 (2020)). The frequency of this variant in the general population (Genome Aggregation Database) is uninformative in the assessment of its pathogenicity. Analysis of this variant using bioinformatics tools for the prediction of the effect of amino acid changes on protein structure and function yielded predictions that this variant is benign. Based on the available information, we are unable to determine the clinical significance of this variant.

MGZ Medical Genetics Center
Classification: Likely benign for Familial cancer of breast. Last evaluated: 2024-02-09. Review status: criteria provided, single submitter. Criteria: CSpec BRCA1/2ACMG Rules Specifications V1.1.0. Collection method: clinical testing. Allele origin: germline. Affected: yes.
Comment: ACMG codes applied following ENIGMA VCEP rules: BP1_STR, BS2_SUP; BP5_SUP, PM2_SUP

All of Us Research Program, National Institutes of Health
Classification: Benign for Breast-ovarian cancer, familial, susceptibility to, 2. Last evaluated: 2023-09-05. Review status: criteria provided, single submitter. Criteria: ACMG Guidelines, 2015. Collection method: clinical testing. Allele origin: germline. Inheritance: Autosomal dominant inheritance. Observed: 1 variant allele, 1 heterozygote.
Comment: This study involves interpretation of variants in research participants for the purpose of population health screening. Participant phenotype was not available at the time of variant classification. Additional details can be found in publication PMID: 35346344, PMCID: PMC8962531

University of Washington Department of Laboratory Medicine, University of Washington
Classification: Likely benign for Hereditary cancer-predisposing syndrome. Last evaluated: 2023-03-23. Review status: criteria provided, single submitter. Criteria: Dines et al. (Genet Med. 2020). Collection method: curation. Allele origin: germline.
Comment: Missense variant in a coldspot region where missense variants are very unlikely to be pathogenic (PMID:31911673).

BRCA2 exon 10 coldspot. Reclassification based on statistical prior probability.

CeGaT Center for Human Genetics Tuebingen
Classification: Likely benign. Last evaluated: 2022-01-01. Review status: criteria provided, single submitter. Criteria: CeGaT Center For Human Genetics Tuebingen Variant Classification Criteria Version 2. Collection method: clinical testing. Allele origin: germline. Affected: yes. Observed: 1 variant allele.

GeneDx
Classification: Likely benign. Last evaluated: 2021-04-15. Review status: criteria provided, single submitter. Criteria: GeneDx Variant Classification Process June 2021. Collection method: clinical testing. Allele origin: germline. Affected: yes.
Comment: This variant is associated with the following publications: (PMID: 25111659, 22977638, 25896959, 28263838)

Ambry Genetics
Classification: Likely benign for Hereditary cancer-predisposing syndrome. Last evaluated: 2019-01-30. Review status: criteria provided, single submitter. Criteria: Ambry Variant Classification Scheme 2023. Collection method: clinical testing. Allele origin: germline.

Color Diagnostics, LLC DBA Color Health
Classification: Benign for Hereditary cancer-predisposing syndrome. Last evaluated: 2016-02-23. Review status: criteria provided, single submitter. Criteria: ACMG Guidelines, 2015. Collection method: clinical testing. Allele origin: germline.

Sharing Clinical Reports Project (SCRP)
Classification: Likely benign for Breast-ovarian cancer, familial 2. Last evaluated: 2010-07-21. Review status: no assertion criteria provided. Collection method: clinical testing. Allele origin: germline. Not counted in ClinVar's aggregate classification.

Breast Cancer Information Core (BIC) (BRCA2)
Classification: Uncertain significance for Breast-ovarian cancer, familial 2. Last evaluated: 2002-05-29. Review status: no assertion criteria provided. Collection method: clinical testing. Allele origin: germline. Affected: yes. Observed: 6 variant alleles. Not counted in ClinVar's aggregate classification.

Literature cited by the submitters: PubMed 22977638 (cited by Women's Health and Genetics/Laboratory Corporation of America, LabCorp and Ambry Genetics); PubMed 23704879 (cited by Women's Health and Genetics/Laboratory Corporation of America, LabCorp); PubMed 25111659 (cited by 3 submitters); PubMed 25896959 (cited by Women's Health and Genetics/Laboratory Corporation of America, LabCorp and Quest Diagnostics Nichols Institute San Juan Capistrano); PubMed 28263838 (cited by Women's Health and Genetics/Laboratory Corporation of America, LabCorp); PubMed 31112341 (cited by Women's Health and Genetics/Laboratory Corporation of America, LabCorp); PubMed 31294896 (cited by Women's Health and Genetics/Laboratory Corporation of America, LabCorp); PubMed 33471991 (cited by Women's Health and Genetics/Laboratory Corporation of America, LabCorp and Quest Diagnostics Nichols Institute San Juan Capistrano); PubMed 31911673 (cited by Quest Diagnostics Nichols Institute San Juan Capistrano).

NM_000059.4(BRCA2):c.1124C>T (p.Pro375Leu)

Gene: BRCA2 (BRCA2 DNA repair associated; plus strand). Cytogenetic location: 13q13.1.
Variant type: single nucleotide variant.
Coding change: c.1124C>T on transcript NM_000059.4 (MANE Select); coding-DNA position 1124, C replaced by T.
Protein change: p.Pro375Leu; replaces proline 375 with leucine.
Molecular consequence: missense variant.
Genome position (GRCh38, 1-based): chr13:32,332,602, C>T. VCF-style: chr13-32332602-C-T. GRCh37 (hg19) VCF-style: chr13-32906739-C-T.
Other names: 1352C>T; short protein forms P375L.
Identifiers: ClinVar variation 51067 (VCV000051067.59), dbSNP rs80358409, ClinGen allele CA010864.